The following is an entry in ClinVar:

NM_000051.4(ATM):c.2064del (p.Glu688fs)

Gene: ATM (ATM serine/threonine kinase; plus strand). Cytogenetic location: 11q22.3.
Variant type: Deletion.
Coding change: c.2064del on transcript NM_000051.4 (MANE Select); coding-DNA position 2064, one base deleted (A; older notation c.2064delA).
Protein change: p.Glu688fs; shifts the reading frame from glutamic acid 688.
Molecular consequence: frameshift variant.
Genome position (GRCh38, 1-based): chr11:108,253,979, A deleted; the last of 2 consecutive A bases (chr11:108,253,978-108,253,979); deleting either gives the same sequence. VCF-style (leftmost placement, unchanged base first): chr11-108253977-GA-G. GRCh37 (hg19) VCF-style: chr11-108124704-GA-G.
Other names: c.2064del, p.Glu688fs (NM_001351834.2); short protein forms E688fs.
Identifiers: ClinVar variation 1968562 (VCV001968562.6), dbSNP rs2497316771, ClinGen allele CA2580083283.

ClinVar aggregate classification (germline): Pathogenic. Review status: criteria provided, multiple submitters, no conflicts (2 of 4 stars). 2 submissions from 2 submitters: Pathogenic (2). Last evaluated 2026-01-16.

Conditions:
Ataxia-telangiectasia syndrome (AT). Also called: Ataxia-telangiectasia, complementation group E; Ataxia telangiectasia (A-T); Cerebello-oculocutaneous telangiectasia; Immunodeficiency with ataxia telangiectasia; Ataxia-telangiectasia, complementation group D; ATAXIA-TELANGIECTASIA, COMPLEMENTATION GROUP A. Identifiers: Orphanet 100, MedGen C0004135, MONDO:0008840, OMIM 208900.
Hereditary cancer-predisposing syndrome. Also called: Hereditary neoplastic syndrome; Neoplastic Syndromes, Hereditary; Tumor predisposition; Hereditary Cancer Syndrome. Identifiers: Orphanet 140162, MedGen C0027672, MeSH D009386, MONDO:0015356.

Submissions (2):

Labcorp Genetics (formerly Invitae), Labcorp
Classification: Pathogenic for Ataxia-telangiectasia syndrome. Last evaluated: 2026-01-16. Review status: criteria provided, single submitter. Criteria: Invitae Variant Classification Sherloc (09022015). Collection method: clinical testing. Allele origin: germline.
Comment: This sequence change creates a premature translational stop signal (p.Glu688Aspfs*15) in the ATM gene. It is expected to result in an absent or disrupted protein product. Loss-of-function variants in ATM are known to be pathogenic (PMID: 23807571, 25614872). This variant is not present in population databases (gnomAD no frequency). This variant has not been reported in the literature in individuals affected with ATM-related conditions. ClinVar contains an entry for this variant (Variation ID: 1968562). For these reasons, this variant has been classified as Pathogenic.

Ambry Genetics
Classification: Pathogenic for Hereditary cancer-predisposing syndrome. Last evaluated: 2024-10-29. Review status: criteria provided, single submitter. Criteria: Ambry Variant Classification Scheme 2023. Collection method: clinical testing. Allele origin: germline.
Comment: The c.2064delA variant, located in coding exon 12 of the ATM gene, results from a deletion of one nucleotide at nucleotide position 2064, causing a translational frameshift with a predicted alternate stop codon (p.E688Dfs*15). This variant is considered to be rare based on population cohorts in the Genome Aggregation Database (gnomAD). This alteration is expected to result in loss of function by premature protein truncation or nonsense-mediated mRNA decay. As such, this alteration is interpreted as a disease-causing mutation.

Literature cited by the submitters: PubMed 23807571 (cited by Labcorp Genetics (formerly Invitae), Labcorp); PubMed 25614872 (cited by Labcorp Genetics (formerly Invitae), Labcorp).